The following is an entry in ClinVar:

ClinVar aggregate classification (germline): Likely benign (1 of 4 stars; one submission).

gnomAD v4.1: 40 of 753,560 alleles (0.0053%); highest among the groups gnomAD compares: Middle Eastern, 0.12%; no homozygotes.

Submission:

CeGaT Center for Human Genetics Tuebingen
Classification: Likely benign. Last evaluated: 2024-10-01. Review status: criteria provided, single submitter. Criteria: CeGaT Center For Human Genetics Tuebingen Variant Classification Criteria Version 2. Collection method: clinical testing. Allele origin: germline. Affected: yes. Observed: 1 variant allele.
Comment: FRMPD4: BP4, BP7, BS2

NM_001368397.1(FRMPD4):c.4734G>A (p.Leu1578=)

Gene: FRMPD4 (FERM and PDZ domain containing 4; plus strand). Cytogenetic location: Xp22.2.
Variant type: single nucleotide variant.
Coding change: c.4734G>A on transcript NM_001368397.1 (MANE Select); coding-DNA position 4734, G replaced by A.
Protein change: p.Leu1578=; no amino-acid change (leucine 1578 retained).
Molecular consequence: synonymous variant. On other transcripts: 3 prime UTR variant (6).
Genome position (GRCh38, 1-based): chrX:12,721,303, G>A. VCF-style: chrX-12721303-G-A. GRCh37 (hg19) VCF-style: chrX-12739422-G-A.
Other names: c.4845G>A, p.Leu1615= (NM_001368395.3); c.4740G>A, p.Leu1580= (NM_001368396.3); c.*770G>A (NM_001368398.3, NM_001368399.3, NM_001368400.3 and 3 more transcripts).
Identifiers: ClinVar variation 3388653 (VCV003388653.14).